The following is an entry in ClinVar:

NM_130839.5(UBE3A):c.2423G>A (p.Gly808Asp)

Genes: SNHG14 (small nucleolar RNA host gene 14; plus strand), UBE3A (ubiquitin protein ligase E3A; minus strand). Cytogenetic location: 15q11.2.
Variant type: single nucleotide variant.
Coding change: c.2423G>A on transcript NM_130839.5 (MANE Select); coding-DNA position 2423, G replaced by A.
Protein change: p.Gly808Asp; replaces glycine 808 with aspartic acid.
Molecular consequence: missense variant. On other transcripts: non-coding transcript variant (1).
Genome position (GRCh38, 1-based): chr15:25,340,160, C>T on the plus strand (G>A on the coding strand, the complement: UBE3A is on the minus strand). VCF-style: chr15-25340160-C-T. GRCh37 (hg19) VCF-style: chr15-25585307-C-T.
Other names: c.2432G>A, p.Gly811Asp (NM_000462.5); c.2423G>A, p.Gly808Asp (NM_001354505.1, NM_001354538.2); c.2363G>A, p.Gly788Asp (NM_001354506.2, NM_001354507.2, NM_001354508.2 and 14 more transcripts); c.2246G>A, p.Gly749Asp (NM_001354546.2); c.2207G>A, p.Gly736Asp (NM_001354547.2, NM_001354548.2); c.2198G>A, p.Gly733Asp (NM_001354549.2); c.1172G>A, p.Gly391Asp (NM_001354550.2); c.1112G>A, p.Gly371Asp (NM_001354551.2); and 1 more; short protein forms G371D, G391D, G733D, G736D, G749D, G756D, G788D, G808D.
Identifiers: ClinVar variation 1067820 (VCV001067820.7), dbSNP rs2152515149, ClinGen allele CA391351116.

ClinVar aggregate classification (germline): Pathogenic (1 of 4 stars; one submission).

Conditions:
Angelman syndrome (AS). Also called: HAPPY PUPPET SYNDROME. Identifiers: Orphanet 72, MedGen C0162635, MONDO:0007113, OMIM 105830. Disease mechanism: loss of function. Inheritance: imprinting disorder, AS is caused by disruption of maternally imprinted UBE3A located within the 15q11.2-q13 Angelman syndrome/Prader-Willi syndrome (AS/PWS) region..

Submission:

Labcorp Genetics (formerly Invitae), Labcorp
Classification: Pathogenic for Angelman syndrome. Last evaluated: 2024-12-02. Review status: criteria provided, single submitter. Criteria: Invitae Variant Classification Sherloc (09022015). Collection method: clinical testing. Allele origin: germline.
Comment: This sequence change replaces glycine, which is neutral and non-polar, with aspartic acid, which is acidic and polar, at codon 788 of the UBE3A protein (p.Gly788Asp). This variant is not present in population databases (gnomAD no frequency). This missense change has been observed in individual(s) with clinical features of Angelman syndrome (internal data). In at least one individual the variant was observed to be de novo. ClinVar contains an entry for this variant (Variation ID: 1067820). Invitae Evidence Modeling of protein sequence and biophysical properties (such as structural, functional, and spatial information, amino acid conservation, physicochemical variation, residue mobility, and thermodynamic stability) indicates that this missense variant is expected to disrupt UBE3A protein function with a positive predictive value of 80%. For these reasons, this variant has been classified as Pathogenic.